The following is an entry in ClinVar:

ClinVar aggregate classification (germline): Uncertain significance (1 of 4 stars; one submission).

Allele frequency attached by ClinVar (database versions not stated): gnomAD 0.00001; TOPMed 0.00001 and 0.00002; ExAC 0.00009.
gnomAD v4.1: 10 of 1,531,284 alleles (0.00065%); no homozygotes.

Submission:

GeneDx
Classification: Uncertain significance. Last evaluated: 2017-04-25. Review status: criteria provided, single submitter. Criteria: GeneDx Variant Classification (06012015). Collection method: clinical testing. Allele origin: germline. Affected: yes.
Comment: The S288Y variant in the SHH gene has not been reported previously as a pathogenic variant, nor as a benign variant, to our knowledge. Adequate data is not available in large population cohorts to assess the frequency of this variant in publicly available databases; however, this variant has not been detected in presumably healthy individuals tested at GeneDx. The S288Y variant is a semi-conservative amino acid substitution, which may impact secondary protein structure as these residues differ in some properties. This substitution occurs at a position that is not conserved. In silico analysis predicts this variant likely does not alter the protein structure/function. We interpret S288Y as a variant of uncertain significance.

NM_000193.4(SHH):c.863C>A (p.Ser288Tyr)

Gene: SHH (sonic hedgehog signaling molecule; minus strand). Cytogenetic location: 7q36.3.
Variant type: single nucleotide variant.
Coding change: c.863C>A on transcript NM_000193.4 (MANE Select); coding-DNA position 863, C replaced by A.
Protein change: p.Ser288Tyr; replaces serine 288 with tyrosine.
Molecular consequence: missense variant. On other transcripts: intron variant (1).
Genome position (GRCh38, 1-based): chr7:155,803,426, G>T on the plus strand (C>A on the coding strand, the complement: SHH is on the minus strand). VCF-style: chr7-155803426-G-T. GRCh37 (hg19) VCF-style: chr7-155596120-G-T.
Other names: c.301+2870C>A (NM_001310462.2); short protein forms S288Y.
Identifiers: ClinVar variation 426230 (VCV000426230.2), dbSNP rs773945644, ClinGen allele CA4586937.